The following is an entry in ClinVar:

ClinVar aggregate classification (germline): Pathogenic (1 of 4 stars; one submission).

Submission:

Labcorp Genetics (formerly Invitae), Labcorp
Classification: Pathogenic. Last evaluated: 2023-09-14. Review status: criteria provided, single submitter. Criteria: Invitae Variant Classification Sherloc (09022015). Collection method: clinical testing. Allele origin: germline.
Comment: For these reasons, this variant has been classified as Pathogenic. This variant disrupts a region of the FZD4 protein in which other variant(s) (p.Gln505*) have been determined to be pathogenic (PMID: 15223780). This suggests that this is a clinically significant region of the protein, and that variants that disrupt it are likely to be disease-causing. This sequence change creates a premature translational stop signal (p.Lys499Asnfs*35) in the FZD4 gene. While this is not anticipated to result in nonsense mediated decay, it is expected to disrupt the last 39 amino acid(s) of the FZD4 protein. This variant is not present in population databases (gnomAD no frequency). This variant has not been reported in the literature in individuals affected with FZD4-related conditions.

Literature cited by the submitters: PubMed 15223780.

NM_012193.4(FZD4):c.1497_1498del (p.Lys499fs)

Genes: FZD4 (frizzled class receptor 4; minus strand), PRSS23 (serine protease 23; plus strand). Cytogenetic location: 11q14.2.
Variant type: Deletion.
Coding change: c.1497_1498del on transcript NM_012193.4 (MANE Select); coding-DNA positions 1497 to 1498, 2 bases deleted (AA; older notation c.1497_1498delAA).
Protein change: p.Lys499fs; shifts the reading frame from lysine 499.
Molecular consequence: frameshift variant. On other transcripts: non-coding transcript variant (2).
Genome position (GRCh38, 1-based): chr11:86,951,258-86,951,259, TT deleted on the plus strand (AA on the coding strand, the reverse complement: FZD4 is on the minus strand); deleting any 2 consecutive bases within chr11:86,951,258-86,951,261 gives the same sequence; the c. name uses the placement nearest the transcript's 3' end. VCF-style (leftmost placement, unchanged base first): chr11-86951257-GTT-G. GRCh37 (hg19) VCF-style: chr11-86662299-GTT-G.
Other names: short protein forms K499fs.
Identifiers: ClinVar variation 2760685 (VCV002760685.3), dbSNP rs80358302, ClinGen allele CA2697548857.